The following is an entry in ClinVar:

NM_001243079.2(PLK5):c.546G>C (p.Leu182=)

Gene: PLK5 (polo like kinase 5 (inactive); plus strand). Cytogenetic location: 19p13.3.
Variant type: single nucleotide variant.
Coding change: c.546G>C on transcript NM_001243079.2 (MANE Select); coding-DNA position 546, G replaced by C.
Protein change: p.Leu182=; no amino-acid change (leucine 182 retained).
Molecular consequence: synonymous variant.
Genome position (GRCh38, 1-based): chr19:1,529,802, G>C. VCF-style: chr19-1529802-G-C. GRCh37 (hg19) VCF-style: chr19-1529801-G-C.
Identifiers: ClinVar variation 3771412 (VCV003771412.13).

ClinVar aggregate classification (germline): Likely benign (1 of 4 stars; one submission).

gnomAD v4.1: 17 of 1,535,956 alleles (0.0011%); highest among the groups gnomAD compares: Middle Eastern, 0.017%; no homozygotes.

Submission:

CeGaT Center for Human Genetics Tuebingen
Classification: Likely benign. Last evaluated: 2025-02-01. Review status: criteria provided, single submitter. Criteria: CeGaT Center For Human Genetics Tuebingen Variant Classification Criteria Version 2. Collection method: clinical testing. Allele origin: germline. Affected: yes. Observed: 1 variant allele.
Comment: PLK5: BP4, BP7